The following is an entry in ClinVar:

NM_000057.4(BLM):c.2357G>A (p.Arg786Lys)

Gene: BLM (BLM RecQ like helicase; plus strand). Cytogenetic location: 15q26.1.
Variant type: single nucleotide variant.
Coding change: c.2357G>A on transcript NM_000057.4 (MANE Select); coding-DNA position 2357, G replaced by A.
Protein change: p.Arg786Lys; replaces arginine 786 with lysine.
Molecular consequence: missense variant.
Genome position (GRCh38, 1-based): chr15:90,769,182, G>A. VCF-style: chr15-90769182-G-A. GRCh37 (hg19) VCF-style: chr15-91312412-G-A.
Other names: c.2357G>A, p.Arg786Lys (NM_001287246.2, NM_001287247.2); c.1232G>A, p.Arg411Lys (NM_001287248.2); short protein forms R786K, R411K.
Identifiers: ClinVar variation 567621 (VCV000567621.22), dbSNP rs369065966, ClinGen allele CA7738737.

ClinVar aggregate classification (germline): Uncertain significance. Review status: criteria provided, multiple submitters, no conflicts (2 of 4 stars). 5 submissions from 5 submitters: Uncertain significance (4). 1 of the submissions does not count toward it. Last evaluated 2025-09-05.

Conditions:
Hereditary cancer-predisposing syndrome. Also called: Neoplastic Syndromes, Hereditary; Tumor predisposition; Hereditary neoplastic syndrome; Hereditary Cancer Syndrome. Identifiers: Orphanet 140162, MedGen C0027672, MeSH D009386, MONDO:0015356.
Bloom syndrome (BLM). Also called: Bloom-Torre-Machacek syndrome. Identifiers: Orphanet 125, MedGen C0005859, MONDO:0008876, OMIM 210900.

Allele frequency attached by ClinVar (database versions not stated): TOPMed below 0.00001; ExAC 0.00001; gnomAD exomes 0.00001; ESP Exome Variant Server 0.00008.
gnomAD v4.1: 18 of 1,613,992 alleles (0.0011%); highest among the groups gnomAD compares: Non-Finnish European, 0.0015%; no homozygotes.

Submissions (5):

Labcorp Genetics (formerly Invitae), Labcorp
Classification: Uncertain significance for Bloom syndrome. Last evaluated: 2025-09-05. Review status: criteria provided, single submitter. Criteria: Invitae Variant Classification Sherloc (09022015). Collection method: clinical testing. Allele origin: germline.
Comment: This sequence change replaces arginine, which is basic and polar, with lysine, which is basic and polar, at codon 786 of the BLM protein (p.Arg786Lys). This variant is present in population databases (rs369065966, gnomAD 0.002%). This variant has not been reported in the literature in individuals affected with BLM-related conditions. ClinVar contains an entry for this variant (Variation ID: 567621). Invitae Evidence Modeling of protein sequence and biophysical properties (such as structural, functional, and spatial information, amino acid conservation, physicochemical variation, residue mobility, and thermodynamic stability) indicates that this missense variant is not expected to disrupt BLM protein function with a negative predictive value of 80%. In summary, the available evidence is currently insufficient to determine the role of this variant in disease. Therefore, it has been classified as a Variant of Uncertain Significance.

Quest Diagnostics Nichols Institute San Juan Capistrano
Classification: Uncertain significance. Last evaluated: 2025-07-04. Review status: criteria provided, single submitter. Criteria: Quest Diagnostics criteria. Collection method: clinical testing. Allele origin: unknown.
Comment: The BLM c.2357G>A (p.Arg786Lys) variant has been reported in the published literature in an individual with colorectal cancer (PMID: 32449991 (2020)), and in a reportedly unaffected individual (PMID: 29641532 (2018)). The frequency of this variant in the general population (Genome Aggregation Database) is uninformative in the assessment of its pathogenicity. Analysis of this variant using bioinformatics tools for the prediction of the effect of amino acid changes on protein structure and function yielded predictions that this variant is benign. Based on the available information, we are unable to determine the clinical significance of this variant.

Ambry Genetics
Classification: Uncertain significance for Hereditary cancer-predisposing syndrome. Last evaluated: 2024-07-27. Review status: criteria provided, single submitter. Criteria: Ambry Variant Classification Scheme 2023. Collection method: clinical testing. Allele origin: germline.
Comment: The p.R786K variant (also known as c.2357G>A), located in coding exon 10 of the BLM gene, results from a G to A substitution at nucleotide position 2357. The arginine at codon 786 is replaced by lysine, an amino acid with highly similar properties. This alteration was identified in 1/1358 non-cancer control individuals and in 0/57 cases, in a study looking at cancer predisposition mutations in patients with cutaneous melanoma and a history of at least two additional non-cutaneous melanoma primary cancers (Pritchard AL et al. PLoS One, 2018 Apr;13:e0194098). This alteration was also identified in a cohort of early onset colorectal cancer patients (Belhadj S et al. Hum Mutat, 2020 09;41:1563-1576). This amino acid position is highly conserved in available vertebrate species. In addition, the in silico prediction for this alteration is inconclusive. Since supporting evidence is limited at this time, the clinical significance of this alteration remains unclear.

St. Jude Molecular Pathology, St. Jude Children's Research Hospital
Classification: Uncertain significance for Bloom syndrome. Last evaluated: 2021-07-29. Review status: criteria provided, single submitter. Criteria: St. Jude Assertion Criteria 2020. Collection method: clinical testing. Allele origin: germline.
Comment: The BLM c.2357G>A (p.Arg786Lys) missense change has a maximum subpopulation frequency of 0.0018% in gnomAD v2.1.1 (PM2_supporting). In silico tools are not in agreement about the effect of this variant on protein function, but to our knowledge these predictions have not been confirmed by functional assays. This variant has been identified in 1 of 1358 control individuals collected as part of non-cancer studies (PMID: 29641532). To our knowledge, this variant has not been reported in individuals with Bloom syndrome. In summary, this variant meets criteria to be classified as of uncertain significance based on the ACMG/AMP criteria: PM2_supporting.

Natera, Inc.
Classification: Uncertain significance for Bloom syndrome. Last evaluated: 2020-12-15. Review status: no assertion criteria provided. Collection method: clinical testing. Allele origin: germline. Not counted in ClinVar's aggregate classification.

Literature cited by the submitters: PubMed 32449991 (cited by Quest Diagnostics Nichols Institute San Juan Capistrano and Ambry Genetics); PubMed 29641532 (cited by Quest Diagnostics Nichols Institute San Juan Capistrano and Ambry Genetics).